The following is an entry in ClinVar:

ClinVar aggregate classification (germline): Conflicting classifications of pathogenicity. Review status: criteria provided, conflicting classifications (1 of 4 stars). 4 submissions from 4 submitters: Likely pathogenic (1); Uncertain significance (1). 2 of the submissions do not count toward it. Last evaluated 2021-11-24.

Conditions:
Autoinflammatory syndrome. Identifiers: Orphanet 93665, MedGen C3890737, MONDO:0019751.
NLRP3-related disorder. Also called: NLRP3-related condition; NLRP3-Related Disorders.
Familial cold autoinflammatory syndrome 1 (FCAS1). Also called: Familial cold inflammatory syndrome 1; CRYOPYRIN-ASSOCIATED PERIODIC SYNDROME 1. Identifiers: Orphanet 47045, MedGen C4551895, MONDO:0007349, OMIM 120100.
Chronic infantile neurological, cutaneous and articular syndrome (CINCA). Also called: CHRONIC NEUROLOGIC CUTANEOUS AND ARTICULAR SYNDROME; CINCA syndrome; CRYOPYRIN-ASSOCIATED PERIODIC SYNDROME 3; Prieur Griscelli syndrome. Identifiers: Orphanet 1451, MedGen C0409818, MONDO:0011776, OMIM 607115.

Submissions (4):

Genome Diagnostics Laboratory, The Hospital for Sick Children
Classification: Uncertain significance for Autoinflammatory syndrome. Last evaluated: 2021-11-24. Review status: criteria provided, single submitter. Criteria: ACMG Guidelines, 2015. Collection method: clinical testing. Allele origin: germline. Affected: yes.

Blueprint Genetics
Classification: Likely pathogenic for NLRP3-related disorders. Last evaluated: 2019-10-04. Review status: criteria provided, single submitter. Criteria: ACMG Guidelines, 2015. Collection method: clinical testing. Allele origin: germline. Affected: yes. Observed: 2 variant alleles.

Biochemical Molecular Genetic Laboratory, King Abdulaziz Medical City
Classification: Likely pathogenic for Chronic infantile neurological, cutaneous and articular syndrome. Last evaluated: 2020-02-05. Review status: no assertion criteria provided. Collection method: clinical testing. Allele origin: germline. Affected: yes. Not counted in ClinVar's aggregate classification.

Unité médicale des maladies autoinflammatoires, CHRU Montpellier
No classification provided. Condition: Familial cold urticaria. Review status: no classification provided. Collection method: not provided. Allele origin: unknown. Not counted in ClinVar's aggregate classification.
Comment: also involved in OMIM 191900 and 607115

NM_001243133.2(NLRP3):c.779G>C (p.Arg260Pro)

Gene: NLRP3 (NLR family pyrin domain containing 3; plus strand). Cytogenetic location: 1q44.
Variant type: single nucleotide variant.
Coding change: c.779G>C on transcript NM_001243133.2 (MANE Select); coding-DNA position 779, G replaced by C.
Protein change: p.Arg260Pro; replaces arginine 260 with proline.
Molecular consequence: missense variant.
Genome position (GRCh38, 1-based): chr1:247,424,228, G>C. VCF-style: chr1-247424228-G-C. GRCh37 (hg19) VCF-style: chr1-247587530-G-C.
Other names: c.779G>C, p.Arg260Pro (NM_001079821.3, NM_001127461.3, NM_001127462.3 and 1 more transcripts); c.785G>C, p.Arg262Pro (NM_004895.5); short protein forms R262P, R260P.
Identifiers: ClinVar variation 97969 (VCV000097969.7), dbSNP rs180177442, ClinGen allele CA281351.